The following is an entry in ClinVar:

ClinVar aggregate classification (germline): Pathogenic (1 of 4 stars; one submission).

Conditions:
Hereditary cancer-predisposing syndrome. Also called: Neoplastic Syndromes, Hereditary; Tumor predisposition; Hereditary Cancer Syndrome; Hereditary neoplastic syndrome. Identifiers: Orphanet 140162, MedGen C0027672, MeSH D009386, MONDO:0015356.

Submission:

Ambry Genetics
Classification: Pathogenic for Hereditary cancer-predisposing syndrome. Last evaluated: 2023-02-22. Review status: criteria provided, single submitter. Criteria: Ambry Variant Classification Scheme 2023. Collection method: clinical testing. Allele origin: germline.
Comment: The p.E129* pathogenic mutation (also known as c.385G>T), located in coding exon 4 of the FH gene, results from a G to T substitution at nucleotide position 385. This changes the amino acid from a glutamic acid to a stop codon within coding exon 4. This alteration is expected to result in loss of function by premature protein truncation or nonsense-mediated mRNA decay. As such, this alteration is interpreted as a disease-causing mutation.

NM_000143.4(FH):c.385G>T (p.Glu129Ter)

Gene: FH (fumarate hydratase; minus strand). Cytogenetic location: 1q43.
Variant type: single nucleotide variant.
Coding change: c.385G>T on transcript NM_000143.4 (MANE Select); coding-DNA position 385, G replaced by T.
Protein change: p.Glu129Ter; replaces glutamic acid 129 with a stop codon.
Molecular consequence: nonsense.
Genome position (GRCh38, 1-based): chr1:241,512,137, C>A on the plus strand (G>T on the coding strand, the complement: FH is on the minus strand). VCF-style: chr1-241512137-C-A. GRCh37 (hg19) VCF-style: chr1-241675437-C-A.
Other names: short protein forms E129*.
Identifiers: ClinVar variation 1735600 (VCV001735600.3), dbSNP rs1660103724, ClinGen allele CA345440221.